The following is an entry in ClinVar:

ClinVar aggregate classification (germline): Uncertain significance. Review status: criteria provided, multiple submitters, no conflicts (2 of 4 stars). 3 submissions from 3 submitters: Uncertain significance (3). Last evaluated 2025-08-26.

Conditions:
Spermatogenic failure 46. Identifiers: MedGen C5436799, MONDO:0033673, OMIM 619095.
Primary ciliary dyskinesia. Also called: Ciliary dyskinesia. Identifiers: Orphanet 244, MedGen C0008780, MONDO:0016575, HP:0012265.

Allele frequency attached by ClinVar (database versions not stated): 1000 Genomes Project 0.00040; TOPMed 0.00003; gnomAD 0.00004 and 0.00005; gnomAD exomes 0.00004 and 0.00008; ExAC 0.00008; 1000 Genomes Project 30x 0.00031.
gnomAD v4.1: 61 of 1,612,522 alleles (0.0038%); highest among the groups gnomAD compares: South Asian, 0.04%; 1 homozygote.

Submissions (3):

Ambry Genetics
Classification: Uncertain significance. Last evaluated: 2025-08-26. Review status: criteria provided, single submitter. Criteria: Ambry Variant Classification Scheme 2023. Collection method: clinical testing. Allele origin: germline.

Johns Hopkins Genomics, Johns Hopkins University
Classification: Uncertain significance for Spermatogenic failure 46. Last evaluated: 2022-08-31. Review status: criteria provided, single submitter. Criteria: ACMG Guidelines, 2015. Collection method: clinical testing. Allele origin: germline.
Comment: This DNAH8 missense variant (rs568480936) is rare (<0.1%) in a large population dataset (gnomAD v2.1.1: 21/250132 total alleles; 0.0084%; no homozygotes). It has been reported in ClinVar (Variation ID 454578), but has not been reported in the literature, to our knowledge. Two bioinformatic tools queried predict that this substitution would be damaging, and the arginine residue at this position is evolutionarily conserved across many of the species assessed. The contribution of DNAH8 to primary ciliary dyskinesia has not been confirmed. We consider the clinical significance of c.5210G>A in DNAH8 to be uncertain at this time.

Labcorp Genetics (formerly Invitae), Labcorp
Classification: Uncertain significance for Primary ciliary dyskinesia. Last evaluated: 2022-07-03. Review status: criteria provided, single submitter. Criteria: Invitae Variant Classification Sherloc (09022015). Collection method: clinical testing. Allele origin: germline.
Comment: This sequence change replaces arginine, which is basic and polar, with histidine, which is basic and polar, at codon 1737 of the DNAH8 protein (p.Arg1737His). This variant is present in population databases (rs568480936, gnomAD 0.05%). This variant has not been reported in the literature in individuals affected with DNAH8-related conditions. ClinVar contains an entry for this variant (Variation ID: 454578). Algorithms developed to predict the effect of missense changes on protein structure and function are either unavailable or do not agree on the potential impact of this missense change (SIFT: "Deleterious"; PolyPhen-2: "Not Available"; Align-GVGD: "Class C0"). In summary, the available evidence is currently insufficient to determine the role of this variant in disease. Therefore, it has been classified as a Variant of Uncertain Significance.

NM_001206927.2(DNAH8):c.5210G>A (p.Arg1737His)

Gene: DNAH8 (dynein axonemal heavy chain 8; plus strand). Cytogenetic location: 6p21.2.
Variant type: single nucleotide variant.
Coding change: c.5210G>A on transcript NM_001206927.2 (MANE Select); coding-DNA position 5210, G replaced by A.
Protein change: p.Arg1737His; replaces arginine 1737 with histidine.
Molecular consequence: missense variant.
Genome position (GRCh38, 1-based): chr6:38,850,261, G>A. VCF-style: chr6-38850261-G-A. GRCh37 (hg19) VCF-style: chr6-38818037-G-A.
Other names: c.4559G>A, p.Arg1520His (NM_001371.4); short protein forms R1737H, R1520H.
Identifiers: ClinVar variation 454578 (VCV000454578.12), dbSNP rs568480936, ClinGen allele CA3789326.
Genomic context (GRCh38, chr6:38,850,261, plus strand): 5'-TTTTCAATTATCCAAATGCTAATCTTTACTGGCTATGGATGCATTTTCAGGAAGCAAAAC[G>A]TTTTCAGAATATTGACAAGTCTTGGATAAAAATAATGCAGCGAGCTCATGAGAATCCCAA-3'
Protein context (NP_001193856.1, residues 1727-1747): IAKQLPQEAK[Arg1737His]FQNIDKSWIK